The following is an entry in ClinVar:

NM_001142864.4(PIEZO1):c.2763A>G (p.Lys921=)

Genes: HSALR1 (HSP90AB1 associated lncRNA 1; plus strand), PIEZO1 (piezo type mechanosensitive ion channel component 1 (Er blood group); minus strand). Cytogenetic location: 16q24.3.
Variant type: single nucleotide variant.
Coding change: c.2763A>G on transcript NM_001142864.4 (MANE Select); coding-DNA position 2763, A replaced by G.
Protein change: p.Lys921=; no amino-acid change (lysine 921 retained).
Molecular consequence: synonymous variant.
Genome position (GRCh38, 1-based): chr16:88,732,634, T>C on the plus strand (A>G on the coding strand, the complement: PIEZO1 is on the minus strand). VCF-style: chr16-88732634-T-C. GRCh37 (hg19) VCF-style: chr16-88799042-T-C.
Identifiers: ClinVar variation 3388249 (VCV003388249.14).

ClinVar aggregate classification (germline): Likely benign (1 of 4 stars; one submission).

gnomAD v4.1: 2 of 1,549,592 alleles (0.00013%); highest among the groups gnomAD compares: East Asian, 0.0024%; no homozygotes.

Submission:

CeGaT Center for Human Genetics Tuebingen
Classification: Likely benign. Last evaluated: 2024-09-01. Review status: criteria provided, single submitter. Criteria: CeGaT Center For Human Genetics Tuebingen Variant Classification Criteria Version 2. Collection method: clinical testing. Allele origin: germline. Affected: yes. Observed: 1 variant allele.
Comment: PIEZO1: BP4, BP7